The following is an entry in ClinVar:

ClinVar aggregate classification (germline): Pathogenic (1 of 4 stars; one submission).

Submission:

Labcorp Genetics (formerly Invitae), Labcorp
Classification: Pathogenic. Last evaluated: 2019-12-24. Review status: criteria provided, single submitter. Criteria: Invitae Variant Classification Sherloc (09022015). Collection method: clinical testing. Allele origin: germline.
Comment: This variant is not present in population databases (ExAC no frequency). For these reasons, this variant has been classified as Pathogenic. Loss-of-function variants in TLK2 are known to be pathogenic (PMID: 29861108). This variant has not been reported in the literature in individuals with TLK2-related conditions. This sequence change creates a premature translational stop signal (p.Trp477*) in the TLK2 gene. It is expected to result in an absent or disrupted protein product.

Literature cited by the submitters: PubMed 29861108.

NM_006852.6(TLK2):c.1430G>A (p.Trp477Ter)

Gene: TLK2 (tousled like kinase 2; plus strand). Cytogenetic location: 17q23.2.
Variant type: single nucleotide variant.
Coding change: c.1430G>A on transcript NM_006852.6 (MANE Select); coding-DNA position 1430, G replaced by A.
Protein change: p.Trp477Ter; replaces tryptophan 477 with a stop codon.
Molecular consequence: nonsense.
Genome position (GRCh38, 1-based): chr17:62,586,196, G>A. VCF-style: chr17-62586196-G-A. GRCh37 (hg19) VCF-style: chr17-60663557-G-A.
Other names: c.1496G>A, p.Trp499Ter (NM_001284333.3); c.1334G>A, p.Trp445Ter (NM_001284363.1, NM_001375272.1); c.983G>A, p.Trp328Ter (NM_001330418.3, NM_001375273.1); c.1472G>A, p.Trp491Ter (NM_001375269.1); c.1430G>A, p.Trp477Ter (NM_001375270.1, NM_001375271.1); short protein forms W477*, W491*, W328*, W445*, W499*.
Identifiers: ClinVar variation 863232 (VCV000863232.7), dbSNP rs2081593717, ClinGen allele CA400506125.